The following is an entry in ClinVar:

NM_007214.5(SEC63):c.1507G>T (p.Glu503Ter)

Gene: SEC63 (SEC63 protein translocation regulator; minus strand). Cytogenetic location: 6q21.
Variant type: single nucleotide variant.
Coding change: c.1507G>T on transcript NM_007214.5 (MANE Select); coding-DNA position 1507, G replaced by T.
Protein change: p.Glu503Ter; replaces glutamic acid 503 with a stop codon.
Molecular consequence: nonsense.
Genome position (GRCh38, 1-based): chr6:107,893,649, C>A on the plus strand (G>T on the coding strand, the complement: SEC63 is on the minus strand). VCF-style: chr6-107893649-C-A. GRCh37 (hg19) VCF-style: chr6-108214853-C-A.
Other names: short protein forms E503*.
Identifiers: ClinVar variation 4532214 (VCV004532214.1).

ClinVar aggregate classification (germline): Likely pathogenic (1 of 4 stars; one submission).

Conditions:
Polycystic liver disease 2 (PCLD2). Also called: Polycystic liver disease 2 with or without kidney cysts. Identifiers: Orphanet 2924, MedGen C4310769, MONDO:0014860, OMIM 617004.

Submission:

MVZ Medizinische Genetik Mainz
Classification: Likely pathogenic for Polycystic liver disease 2. Last evaluated: 2025-11-10. Review status: criteria provided, single submitter. Criteria: UK Practice Guidelines For Variant Classification V4 01 2020. Collection method: clinical testing. Allele origin: germline. Inheritance: Autosomal dominant inheritance. Affected: yes. Observed: 1 variant allele.
Comment: ACMG Criteria: PVS1,PM2_SUP